The following is an entry in ClinVar:

ClinVar aggregate classification (germline): Pathogenic (1 of 4 stars; one submission).

Submission:

Labcorp Genetics (formerly Invitae), Labcorp
Classification: Pathogenic. Last evaluated: 2020-09-30. Review status: criteria provided, single submitter. Criteria: Invitae Variant Classification Sherloc (09022015). Collection method: clinical testing. Allele origin: germline.
Comment: This sequence change creates a premature translational stop signal (p.Glu4629Alafs*48) in the USH2A gene. It is expected to result in an absent or disrupted protein product. For these reasons, this variant has been classified as Pathogenic. Loss-of-function variants in USH2A are known to be pathogenic (PMID: 10729113, 10909849, 20507924, 25649381). This variant has not been reported in the literature in individuals with USH2A-related conditions. This variant is not present in population databases (ExAC no frequency).

Literature cited by the submitters: PubMed 10729113; PubMed 10909849; PubMed 20507924; PubMed 25649381.

NM_206933.4(USH2A):c.13886_13902del (p.Glu4629fs)

Gene: USH2A (usherin; minus strand). Cytogenetic location: 1q41.
Variant type: Deletion.
Coding change: c.13886_13902del on transcript NM_206933.4 (MANE Select); coding-DNA positions 13886 to 13902, 17 bases deleted (AGATTGCACCTTTGATG).
Protein change: p.Glu4629fs; shifts the reading frame from glutamic acid 4629.
Molecular consequence: frameshift variant.
Genome position (GRCh38, 1-based): chr1:215,671,203-215,671,219, CATCAAAGGTGCAATCT deleted on the plus strand (AGATTGCACCTTTGATG on the coding strand, the reverse complement: USH2A is on the minus strand); deleting any 17 consecutive bases within chr1:215,671,203-215,671,221 gives the same sequence; the c. name uses the placement nearest the transcript's 3' end. VCF-style (leftmost placement, unchanged base first): chr1-215671202-GCATCAAAGGTGCAATCT-G. GRCh37 (hg19) VCF-style: chr1-215844544-GCATCAAAGGTGCAATCT-G.
Other names: short protein forms E4629fs.
Identifiers: ClinVar variation 1072794 (VCV001072794.7), dbSNP rs2102661452, ClinGen allele CA2499214435.
Genomic context (GRCh38, chr1:215,671,202, plus strand): 5'-GAGAAACAGTTGGCTGGAATCCTCCTGGAGCCATTTGTACCTCCAGATGTGGAGGGGGTT[GCATCAAAGGTGCAATCT>G]CAGGGGTCTGTATGAATGTCCAGTCACTTGATGCACATCCCAGGGTGGTGCACGCTTGAA-3'